The following is an entry in ClinVar:

ClinVar aggregate classification (germline): Benign/Likely benign. Review status: criteria provided, multiple submitters, no conflicts (2 of 4 stars). 3 submissions from 3 submitters: Benign (1); Likely benign (1). 1 of the submissions does not count toward it. Last evaluated 2025-12-21.

Conditions:
PLD1-related disorder. Also called: PLD1-related condition.

Submissions (7):

Labcorp Genetics (formerly Invitae), Labcorp
Classification: Benign. Last evaluated: 2025-12-21. Review status: criteria provided, single submitter. Criteria: Invitae Variant Classification Sherloc (09022015). Collection method: clinical testing. Allele origin: germline.

Blueprint Genetics
Classification: Likely benign. Last evaluated: 2024-11-26. Review status: criteria provided, single submitter. Criteria: ACMG Guidelines, 2015. Collection method: clinical testing. Allele origin: germline.

PreventionGenetics, part of Exact Sciences
Classification: Benign for PLD1-related condition. Last evaluated: 2019-09-23. Review status: no assertion criteria provided. Collection method: clinical testing. Allele origin: germline. Not counted in ClinVar's aggregate classification.
Comment: This variant is classified as benign based on ACMG/AMP sequence variant interpretation guidelines (Richards et al. 2015 PMID: 25741868, with internal and published modifications).

Dr. Peter K. Rogan Lab, Western University
No classification provided (evidence only). Condition: Cervical cancer. Review status: no classification provided. Collection method: in vitro. Allele origin: not applicable. Functional consequence: retained intron. Not counted in ClinVar's aggregate classification.

Dr. Peter K. Rogan Lab, Western University
No classification provided (evidence only). Condition: Malignant lymphoma, large B-cell, diffuse. Review status: no classification provided. Collection method: in vitro. Allele origin: not applicable. Functional consequence: retained intron. Not counted in ClinVar's aggregate classification.

Dr. Peter K. Rogan Lab, Western University
No classification provided (evidence only). Condition: Malignant lymphoma, large B-cell, diffuse. Review status: no classification provided. Collection method: in vitro. Allele origin: not applicable. Functional consequence: retained intron. Not counted in ClinVar's aggregate classification.

Dr. Peter K. Rogan Lab, Western University
No classification provided (evidence only). Condition: Ovarian cancer. Review status: no classification provided. Collection method: in vitro. Allele origin: not applicable. Functional consequence: skipped exon, retained intron. Not counted in ClinVar's aggregate classification.

NM_002662.5(PLD1):c.161-3del

Gene: PLD1 (phospholipase D1; minus strand). Cytogenetic location: 3q26.31.
Variant type: Deletion.
Coding change: c.161-3del on transcript NM_002662.5 (MANE Select); 3 bases into the intron before coding-DNA position 161, one base deleted (T; older notation c.161-3delT).
Molecular consequence: intron variant.
Genome position (GRCh38, 1-based): chr3:171,737,662, A deleted on the plus strand (T on the coding strand, the reverse complement: PLD1 is on the minus strand); the first of 10 consecutive A bases (chr3:171,737,662-171,737,671); deleting any one gives the same sequence. VCF-style (leftmost placement, unchanged base first): chr3-171737661-TA-T. GRCh37 (hg19) VCF-style: chr3-171455451-TA-T.
Other names: NC_000003.11:g.171455461del; c.161-3del (NM_001130081.3); c.161-12del (NM_002662.5).
Identifiers: ClinVar variation 1601517 (VCV001601517.12), dbSNP rs71178233, ClinGen allele CA2705041.
Genomic context (GRCh38, chr3:171,737,661, plus strand): 5'-CTGTATATTAGGCTCCTTAAATCCTTGAGTGTTATAAATAGCAGAGAAAGGGATATACAC[TA>T]AAAAAAAAAGTAAATAAAGTTAATGCAATATATGATTAGCATAACTTGTCTTTTACAGGC-3'